The following is an entry in ClinVar:

ClinVar aggregate classification (germline): Uncertain significance. Review status: criteria provided, multiple submitters, no conflicts (2 of 4 stars). 3 submissions from 3 submitters: Uncertain significance (3). Last evaluated 2026-01-27.

Conditions:
Progressive sclerosing poliodystrophy (MTDPS4A). Also called: ALPERS DIFFUSE DEGENERATION OF CEREBRAL GRAY MATTER WITH HEPATIC CIRRHOSIS; Alpers-Huttenlocher Syndrome; ALPERS PROGRESSIVE INFANTILE POLIODYSTROPHY; NEURONAL DEGENERATION OF CHILDHOOD WITH LIVER DISEASE, PROGRESSIVE; Mitochondrial DNA Depletion Syndrome 4A; Alpers-Huttenlocher Syndrome (AHS). Identifiers: Orphanet 726, MedGen C0205710, MONDO:0008758, OMIM 203700.

Allele frequency attached by ClinVar (database versions not stated): ExAC 0.00001; gnomAD exomes 0.00002; gnomAD 0.00003; TOPMed 0.00005.

Submissions (3):

Labcorp Genetics (formerly Invitae), Labcorp
Classification: Uncertain significance for Progressive sclerosing poliodystrophy. Last evaluated: 2026-01-27. Review status: criteria provided, single submitter. Criteria: Invitae Variant Classification Sherloc (09022015). Collection method: clinical testing. Allele origin: germline.
Comment: This sequence change replaces arginine, which is basic and polar, with tryptophan, which is neutral and slightly polar, at codon 996 of the POLG protein (p.Arg996Trp). This variant is present in population databases (rs202229893, gnomAD 0.01%). This missense change has been observed in individual(s) with Parkinson disease (PMID: 37256495). ClinVar contains an entry for this variant (Variation ID: 206543). Invitae Evidence Modeling of protein sequence and biophysical properties (such as structural, functional, and spatial information, amino acid conservation, physicochemical variation, residue mobility, and thermodynamic stability) indicates that this missense variant is expected to disrupt POLG protein function with a positive predictive value of 80%. In summary, the available evidence is currently insufficient to determine the role of this variant in disease. Therefore, it has been classified as a Variant of Uncertain Significance.

GeneDx
Classification: Uncertain significance. Last evaluated: 2022-03-18. Review status: criteria provided, single submitter. Criteria: GeneDx Variant Classification Process June 2021. Collection method: clinical testing. Allele origin: germline. Affected: yes.
Comment: Not observed at significant frequency in large population cohorts (gnomAD); In silico analysis supports that this missense variant has a deleterious effect on protein structure/function; Has not been previously published as pathogenic or benign to our knowledge

Eurofins Ntd Llc (ga)
Classification: Uncertain significance. Last evaluated: 2016-04-12. Review status: criteria provided, single submitter. Criteria: EGL Classification Definitions 2015. Collection method: clinical testing. Allele origin: germline. Observed: 1 variant allele, 1 heterozygote.

Literature cited by the submitters: PubMed 37256495 (cited by Labcorp Genetics (formerly Invitae), Labcorp).

NM_002693.3(POLG):c.2986C>T (p.Arg996Trp)

Gene: POLG (DNA polymerase gamma, catalytic subunit; minus strand). Cytogenetic location: 15q26.1.
Variant type: single nucleotide variant.
Coding change: c.2986C>T on transcript NM_002693.3 (MANE Select); coding-DNA position 2986, C replaced by T.
Protein change: p.Arg996Trp; replaces arginine 996 with tryptophan.
Molecular consequence: missense variant.
Genome position (GRCh38, 1-based): chr15:89,319,346, G>A on the plus strand (C>T on the coding strand, the complement: POLG is on the minus strand). VCF-style: chr15-89319346-G-A. GRCh37 (hg19) VCF-style: chr15-89862577-G-A.
Other names: p.R996W:CGG>TGG; c.2986C>T, p.Arg996Trp (NM_001126131.2); short protein forms R996W.
Identifiers: ClinVar variation 206543 (VCV000206543.16), dbSNP rs202229893, ClinGen allele CA316730.